The following is an entry in ClinVar:

ClinVar aggregate classification (germline): Uncertain significance (1 of 4 stars; one submission).

Conditions:
Inborn genetic diseases. Identifiers: MedGen C0950123, MeSH D030342.

Submission:

Ambry Genetics
Classification: Uncertain significance for Inborn genetic diseases. Last evaluated: 2025-12-10. Review status: criteria provided, single submitter. Criteria: Ambry Variant Classification Scheme 2023. Collection method: clinical testing. Allele origin: germline.
Comment: The p.D1321N variant (also known as c.3961G>A), located in coding exon 13 of the ASXL1 gene, results from a G to A substitution at nucleotide position 3961. The aspartic acid at codon 1321 is replaced by asparagine, an amino acid with highly similar properties. This amino acid position is conserved. In addition, this alteration is predicted to be tolerated by in silico analysis. Based on the available evidence, the clinical significance of this variant remains unclear.

NM_015338.6(ASXL1):c.3961G>A (p.Asp1321Asn)

Gene: ASXL1 (ASXL transcriptional regulator 1; plus strand). Cytogenetic location: 20q11.21.
Variant type: single nucleotide variant.
Coding change: c.3961G>A on transcript NM_015338.6 (MANE Select); coding-DNA position 3961, G replaced by A.
Protein change: p.Asp1321Asn; replaces aspartic acid 1321 with asparagine.
Molecular consequence: missense variant.
Genome position (GRCh38, 1-based): chr20:32,436,673, G>A. VCF-style: chr20-32436673-G-A. GRCh37 (hg19) VCF-style: chr20-31024476-G-A.
Other names: c.3778G>A, p.Asp1260Asn (NM_001363734.1); short protein forms D1260N, D1321N.
Identifiers: ClinVar variation 4589106 (VCV004589106.1).
Genomic context (GRCh38, chr20:32,436,673, plus strand): 5'-GGGAAGAAGCTTTTTGGCTCTGGGAATGTGGCTGCAACCCTTCAGCGCCCCAGGCCTGCG[G>A]ACCCGATGCCTCTTCCTGCTGAGATCCCTCCAGTTTTTCCCAGTGGGAAGTTGGGACCAA-3'
Protein context (NP_056153.2, residues 1311-1331): AATLQRPRPA[Asp1321Asn]PMPLPAEIPP